The following is an entry in ClinVar:

ClinVar aggregate classification (germline): Uncertain significance (1 of 4 stars; one submission).

Submission:

CeGaT Center for Human Genetics Tuebingen
Classification: Uncertain significance. Last evaluated: 2022-05-01. Review status: criteria provided, single submitter. Criteria: CeGaT Center For Human Genetics Tuebingen Variant Classification Criteria Version 2. Collection method: clinical testing. Allele origin: germline. Affected: yes. Observed: 1 variant allele.
Comment: GALR1: PM2

NM_001480.4(GALR1):c.841T>G (p.Ser281Ala)

Gene: GALR1 (galanin receptor 1; plus strand). Cytogenetic location: 18q23.
Variant type: single nucleotide variant.
Coding change: c.841T>G on transcript NM_001480.4 (MANE Select); coding-DNA position 841, T replaced by G.
Protein change: p.Ser281Ala; replaces serine 281 with alanine.
Molecular consequence: missense variant.
Genome position (GRCh38, 1-based): chr18:77,268,693, T>G. VCF-style: chr18-77268693-T-G. GRCh37 (hg19) VCF-style: chr18-74980649-T-G.
Other names: short protein forms S281A.
Identifiers: ClinVar variation 2648819 (VCV002648819.24), dbSNP rs2511970445, ClinGen allele CA402807586.